The following is an entry in ClinVar:

NM_198576.4(AGRN):c.4562G>A (p.Arg1521His)

Gene: AGRN (agrin; plus strand). Cytogenetic location: 1p36.33.
Variant type: single nucleotide variant.
Coding change: c.4562G>A on transcript NM_198576.4 (MANE Select); coding-DNA position 4562, G replaced by A.
Protein change: p.Arg1521His; replaces arginine 1521 with histidine.
Molecular consequence: missense variant.
Genome position (GRCh38, 1-based): chr1:1,049,613, G>A. VCF-style: chr1-1049613-G-A. GRCh37 (hg19) VCF-style: chr1-984993-G-A.
Other names: c.4562G>A, p.Arg1521His (NM_001305275.2); c.4247G>A, p.Arg1416His (NM_001364727.2); short protein forms R1416H, R1521H.
Identifiers: ClinVar variation 666087 (VCV000666087.9), dbSNP rs371871999, ClinGen allele CA509535.

ClinVar aggregate classification (germline): Uncertain significance. Review status: criteria provided, multiple submitters, no conflicts (2 of 4 stars). 2 submissions from 2 submitters: Uncertain significance (2). Last evaluated 2024-02-24.

Conditions:
Congenital myasthenic syndrome 8. Also called: MYASTHENIC SYNDROME, CONGENITAL, DUE TO AGRIN DEFICIENCY; Myasthenic syndrome, congenital, 8, with pre- and postsynaptic defects. Identifiers: Orphanet 590, MedGen C3808739, MONDO:0014052, OMIM 615120.

Allele frequency attached by ClinVar (database versions not stated): TOPMed 0.00002; gnomAD exomes 0.00005 and 0.00004; ExAC 0.00014; gnomAD 0.00003; ESP Exome Variant Server 0.00008.
gnomAD v4.1: 54 of 1,591,634 alleles (0.0034%); highest among the groups gnomAD compares: East Asian, 0.011%; no homozygotes.

Submissions (2):

Labcorp Genetics (formerly Invitae), Labcorp
Classification: Uncertain significance for Congenital myasthenic syndrome 8. Last evaluated: 2024-02-24. Review status: criteria provided, single submitter. Criteria: Invitae Variant Classification Sherloc (09022015). Collection method: clinical testing. Allele origin: germline.
Comment: This sequence change replaces arginine, which is basic and polar, with histidine, which is basic and polar, at codon 1521 of the AGRN protein (p.Arg1521His). The frequency data for this variant in the population databases is considered unreliable, as metrics indicate poor data quality at this position in the gnomAD database. This variant has not been reported in the literature in individuals affected with AGRN-related conditions. ClinVar contains an entry for this variant (Variation ID: 666087). An algorithm developed to predict the effect of missense changes on protein structure and function (PolyPhen-2) suggests that this variant is likely to be disruptive. In summary, the available evidence is currently insufficient to determine the role of this variant in disease. Therefore, it has been classified as a Variant of Uncertain Significance.

GeneDx
Classification: Uncertain significance. Last evaluated: 2022-11-14. Review status: criteria provided, single submitter. Criteria: GeneDx Variant Classification Process June 2021. Collection method: clinical testing. Allele origin: germline. Affected: yes.
Comment: Previously reported in an individual with congenital myasthenia syndrome who also harbored a second AGRN variant on the opposite allele (Xia et al., 2022); In silico analysis supports that this missense variant has a deleterious effect on protein structure/function; This variant is associated with the following publications: (PMID: 34433720)